The following is an entry in ClinVar:

NM_012448.4(STAT5B):c.1091T>C (p.Met364Thr)

Gene: STAT5B (signal transducer and activator of transcription 5B; minus strand). Cytogenetic location: 17q21.2.
Variant type: single nucleotide variant.
Coding change: c.1091T>C on transcript NM_012448.4 (MANE Select); coding-DNA position 1091, T replaced by C.
Protein change: p.Met364Thr; replaces methionine 364 with threonine.
Molecular consequence: missense variant.
Genome position (GRCh38, 1-based): chr17:42,218,229, A>G on the plus strand (T>C on the coding strand, the complement: STAT5B is on the minus strand). VCF-style: chr17-42218229-A-G. GRCh37 (hg19) VCF-style: chr17-40370247-A-G.
Other names: short protein forms M364T.
Identifiers: ClinVar variation 1055322 (VCV001055322.9), dbSNP rs2144245532, ClinGen allele CA399585065.
Genomic context (GRCh38, chr17:42,218,229, plus strand): 5'-TTGAGCAGAGACTTGGCCTGCTGCTCACTGATGATGGTGGCCTTCACCTGGGGGGGGTTC[A>G]TGTGCACGTTCAGCTTCCCGCCCACCAGCAGGCGCACAGTGGCTGCAAACTTGGTCTGGG-3'
Protein context (NP_036580.2, residues 354-374): LLVGGKLNVH[Met364Thr]NPPQVKATII

ClinVar aggregate classification (germline): Uncertain significance (1 of 4 stars; one submission).

Conditions:
Growth hormone insensitivity with immune dysregulation 1, autosomal recessive. Also called: GROWTH HORMONE INSENSITIVITY DUE TO POSTRECEPTOR DEFECT; LARON SYNDROME DUE TO POSTRECEPTOR DEFECT; GROWTH HORMONE INSENSITIVITY SYNDROME WITH IMMUNE DYSREGULATION 1, AUTOSOMAL RECESSIVE; Laron syndrome with immunodeficiency. Identifiers: Orphanet 220465, MedGen C5435698, MONDO:0100211, OMIM 245590.

Submission:

Labcorp Genetics (formerly Invitae), Labcorp
Classification: Uncertain significance for Growth hormone insensitivity with immune dysregulation 1, autosomal recessive. Last evaluated: 2020-07-25. Review status: criteria provided, single submitter. Criteria: Invitae Variant Classification Sherloc (09022015). Collection method: clinical testing. Allele origin: germline.
Comment: This sequence change replaces methionine with threonine at codon 364 of the STAT5B protein (p.Met364Thr). The methionine residue is highly conserved and there is a moderate physicochemical difference between methionine and threonine. This variant is not present in population databases (ExAC no frequency). This variant has not been reported in the literature in individuals with STAT5B-related conditions. Algorithms developed to predict the effect of missense changes on protein structure and function (SIFT, PolyPhen-2, Align-GVGD) all suggest that this variant is likely to be tolerated, but these predictions have not been confirmed by published functional studies and their clinical significance is uncertain. In summary, the available evidence is currently insufficient to determine the role of this variant in disease. Therefore, it has been classified as a Variant of Uncertain Significance.